The following is an entry in ClinVar:

NM_017780.4(CHD7):c.1546C>T (p.Pro516Ser)

Gene: CHD7 (chromodomain helicase DNA binding protein 7; plus strand). Cytogenetic location: 8q12.2.
Variant type: single nucleotide variant.
Coding change: c.1546C>T on transcript NM_017780.4 (MANE Select); coding-DNA position 1546, C replaced by T.
Protein change: p.Pro516Ser; replaces proline 516 with serine.
Molecular consequence: missense variant.
Genome position (GRCh38, 1-based): chr8:60,742,978, C>T. VCF-style: chr8-60742978-C-T. GRCh37 (hg19) VCF-style: chr8-61655537-C-T.
Other names: c.1546C>T, p.Pro516Ser (NM_001316690.1); short protein forms P516S.
Identifiers: ClinVar variation 1805567 (VCV001805567.2), dbSNP rs2487284272, ClinGen allele CA371303399.

ClinVar aggregate classification (germline): Uncertain significance. Review status: criteria provided, multiple submitters, no conflicts (2 of 4 stars). 2 submissions from 2 submitters: Uncertain significance (2). Last evaluated 2023-05-15.

Conditions:
CHARGE syndrome (CHARGE). Also called: Hittner Hirsch Kreh syndrome; CHARGE ASSOCIATION--COLOBOMA, HEART ANOMALY, CHOANAL ATRESIA, RETARDATION, GENITAL AND EAR ANOMALIES; Coloboma, heart anomaly, choanal atresia, retardation, genital and ear anomalies; CHARGE association; Hall-Hittner syndrome. Identifiers: Orphanet 138, MedGen C0265354, MONDO:0008965.

Submissions (2):

GeneDx
Classification: Uncertain significance. Last evaluated: 2023-05-15. Review status: criteria provided, single submitter. Criteria: GeneDx Variant Classification Process June 2021. Collection method: clinical testing. Allele origin: germline. Affected: yes.
Comment: Not observed at significant frequency in large population cohorts (gnomAD); In silico analysis supports that this missense variant does not alter protein structure/function; Has not been previously published as pathogenic or benign to our knowledge

Victorian Clinical Genetics Services, Murdoch Childrens Research Institute
Classification: Uncertain significance for CHARGE syndrome. Last evaluated: 2020-05-26. Review status: criteria provided, single submitter. Criteria: ACMG Guidelines, 2015. Collection method: clinical testing. Allele origin: germline. Inheritance: Autosomal dominant inheritance.
Comment: Based on the classification scheme VCGS_Germline_v1.1.1, this variant is classified as 3C-VUS. Following criteria are met: 0102 - Loss-of-function is a known mechanism of disease for this gene. (N) 0107 - This gene is known to be associated with autosomal dominant disease. (N) 0112 - Variants in this gene are known to have reduced penetrance (PMID: 29152903). (N) 0200 - Variant is predicted to result in a missense amino acid change from proline to serine (exon 2). (N) 0251 - Variant is heterozygous. (N) 0301 - Variant is absent from gnomAD. (P) 0503 - Missense variant consistently predicted to be tolerated or not conserved in mammals with a minor amino acid change. (B) 0604 - Variant is not located in an established domain, motif, hotspot or informative constraint region. (N) 0705 - No comparable variants have previous evidence for pathogenicity. (N) 0807 - Variant has not previously been reported in a clinical context. (N) 0905 - No segregation evidence has been identified for this variant. (N) 1007 - No published functional evidence has been identified for this variant in the literature. (N) 1208 - Inheritance information for this variant is not currently available. (N) Legend: (P) - Pathogenic, (N) - Neutral, (B) - Benign

Literature cited by the submitters: PubMed 29152903 (cited by Victorian Clinical Genetics Services, Murdoch Childrens Research Institute).